The following is an entry in ClinVar:

NM_004606.5(TAF1):c.204C>G (p.Thr68=)

Gene: TAF1 (TATA-box binding protein associated factor 1; plus strand). Cytogenetic location: Xq13.1.
Variant type: single nucleotide variant.
Coding change: c.204C>G on transcript NM_004606.5 (MANE Select); coding-DNA position 204, C replaced by G.
Protein change: p.Thr68=; no amino-acid change (threonine 68 retained).
Molecular consequence: synonymous variant. On other transcripts: non-coding transcript variant (9).
Genome position (GRCh38, 1-based): chrX:71,367,582, C>G. VCF-style: chrX-71367582-C-G. GRCh37 (hg19) VCF-style: chrX-70587432-C-G.
Other names: c.204C>G, p.Thr68= (NM_001286074.2, NM_138923.4).
Identifiers: ClinVar variation 2172646 (VCV002172646.29), dbSNP rs765120366, ClinGen allele CA10446524.
Genomic context (GRCh38, chrX:71,367,582, plus strand): 5'-CTTGGGGGCTTTGGGGCTGGGCAGCCTGATCACTGAACTCACGGCAAATGAAGAATTGAC[C>G]GGGACTGACGGTGCCTTGGTAAATGATGAAGGTGAAGTCTGGGTTGTGGGGAGTAGGCGG-3'
Protein context (NP_004597.3, residues 58-78): ITELTANEEL[Thr68=]GTDGALVNDE

ClinVar aggregate classification (germline): Benign/Likely benign. Review status: criteria provided, multiple submitters, no conflicts (2 of 4 stars). 3 submissions from 3 submitters: Benign (1); Likely benign (2). Last evaluated 2026-01-05.

Allele frequency attached by ClinVar (database versions not stated): ExAC 0.00001.
gnomAD v4.1: 15 of 1,211,397 alleles (0.0012%); highest among the groups gnomAD compares: Admixed American, 0.015%; no homozygotes.

Submissions (3):

Labcorp Genetics (formerly Invitae), Labcorp
Classification: Benign. Last evaluated: 2026-01-05. Review status: criteria provided, single submitter. Criteria: Invitae Variant Classification Sherloc (09022015). Collection method: clinical testing. Allele origin: germline.

CeGaT Center for Human Genetics Tuebingen
Classification: Likely benign. Last evaluated: 2023-10-01. Review status: criteria provided, single submitter. Criteria: CeGaT Center For Human Genetics Tuebingen Variant Classification Criteria Version 2. Collection method: clinical testing. Allele origin: germline. Affected: yes. Observed: 1 variant allele.
Comment: TAF1: BP4, BP7

Blueprint Genetics
Classification: Likely benign. Last evaluated: 2019-10-11. Review status: criteria provided, single submitter. Criteria: ACMG Guidelines, 2015. Collection method: clinical testing. Allele origin: germline.